The following is an entry in ClinVar:

NM_001135649.3(FOXI3):c.23A>G (p.Asn8Ser)

Gene: FOXI3 (forkhead box I3; minus strand). Cytogenetic location: 2p11.2.
Variant type: single nucleotide variant.
Coding change: c.23A>G on transcript NM_001135649.3 (MANE Select); coding-DNA position 23, A replaced by G.
Protein change: p.Asn8Ser; replaces asparagine 8 with serine.
Molecular consequence: missense variant.
Genome position (GRCh38, 1-based): chr2:88,452,513, T>C on the plus strand (A>G on the coding strand, the complement: FOXI3 is on the minus strand). VCF-style: chr2-88452513-T-C. GRCh37 (hg19) VCF-style: chr2-88752031-T-C.
Other names: short protein forms N8S.
Identifiers: ClinVar variation 1921540 (VCV001921540.5), dbSNP rs1378543440, ClinGen allele CA347767215.

ClinVar aggregate classification (germline): Uncertain significance (1 of 4 stars; one submission).

Allele frequency attached by ClinVar (database versions not stated): gnomAD 0.00001; TOPMed 0.00001.

Submission:

Labcorp Genetics (formerly Invitae), Labcorp
Classification: Uncertain significance. Last evaluated: 2025-03-22. Review status: criteria provided, single submitter. Criteria: Invitae Variant Classification Sherloc (09022015). Collection method: clinical testing. Allele origin: germline.
Comment: This sequence change replaces asparagine, which is neutral and polar, with serine, which is neutral and polar, at codon 8 of the FOXI3 protein (p.Asn8Ser). The frequency data for this variant in the population databases is considered unreliable, as metrics indicate poor data quality at this position in the gnomAD database. This variant has not been reported in the literature in individuals affected with FOXI3-related conditions. ClinVar contains an entry for this variant (Variation ID: 1921540). Experimental studies and prediction algorithms are not available or were not evaluated, and the functional significance of this variant is currently unknown. In summary, the available evidence is currently insufficient to determine the role of this variant in disease. Therefore, it has been classified as a Variant of Uncertain Significance.